The following is an entry in ClinVar:

ClinVar aggregate classification (germline): Pathogenic. Review status: reviewed by expert panel (3 of 4 stars). 5 submissions from 5 submitters: Pathogenic (1). 4 of the submissions do not count toward it. Last evaluated 2025-11-19.

Conditions:
Congenital glaucoma. Identifiers: MedGen C0020302, MONDO:0020366.
Anterior segment dysgenesis 6 (ASGD6). Also called: Anterior segment dysgenesis 6, multiple subtypes. Identifiers: MedGen C4310623, MONDO:0015016, OMIM 617315.
Glaucoma 3A. Also called: Glaucoma 3, primary congenital, A. Identifiers: Orphanet 98976, Orphanet 98977, MedGen C1856439, MONDO:0009277, OMIM 231300.
CYP1B1-related glaucoma with or without anterior segment dysgenesis. Identifiers: MedGen CN375931, MONDO:0800472.
Primary congenital glaucoma. Also called: Primary congenital glaucoma (disease). Identifiers: MedGen C1533041, MONDO:0000365, HP:0008007.

Allele frequency attached by ClinVar (database versions not stated): 1000 Genomes Project 30x 0.00016; 1000 Genomes Project 0.00020.
gnomAD v4.1: 17 of 1,613,768 alleles (0.0011%); highest among the groups gnomAD compares: African/African-American, 0.004%; no homozygotes.

Submissions (5):

ClinGen Glaucoma Variant Curation Expert Panel
Classification: Pathogenic for CYP1B1-related glaucoma with or without anterior segment dysgenesis. Last evaluated: 2025-11-19. Review status: reviewed by expert panel. Criteria: ClinGen CYP1B1 ACMG Specifications V1 Approved. Collection method: curation. Allele origin: germline. Inheritance: Autosomal recessive inheritance.
Comment: The c.1168C>A variant in CYP1B1 is a missense variant predicted to cause substitution of Arginine by Serine at amino acid 390 (p.Arg390Ser). The highest minor allele frequency of this variant was in the African/African American genetic ancestry group of gnomAD (v4.1.0) = 0.00003997 (3 alleles out of 75,048), which met the ≤ 0.0005 threshold set for PM2_Supporting in a genetic ancestry group of at least 2,000 alleles. The REVEL score = 0.967, which met the ≥ 0.932 threshold for PP3_Strong, predicting a damaging effect on CYP1B1 function. PS3_Supporting was not applied, as although the OddsPath threshold was met (> 2.1), the threshold for abnormal impact on protein function in the assays could not be determined (PMID: 27060699). 3 affected segregations with a CYP1B1-related phenotype have been reported (PMID: 20664688, ClinVar), which fulfilled PP1_Strong. This variant has been identified in ten individuals with a CYP1B1-related phenotype. Three of these individuals are compound heterozygous for the variant and a pathogenic or likely pathogenic variant (1 confirmed in trans, 3 phase unknown) (PMIDs: 14635112, 19234632, 23218183, ClinVar). Two individuals are compound heterozygous for the variant and a variant of uncertain significance (P52L confirmed in trans, R368H) (PMID: 21815720, 38755526). Four individuals are homozygous (assumed consanguineous) for the variant (PMIDs: 20664688, 10655546, ClinVar). Total proband points = 4, meeting PM3_Very Strong. Another missense variant (p.Arg390His, Grantham score = 29, ClinVar ID: 592512) in the same codon has been classified as pathogenic for a CYP1B1-related phenotype by the ClinGen Glaucoma VCEP. CYP1B1:p.Arg390Ser has a higher Grantham score (= 110) than the previously classified amino acid change, was not predicted to affect splicing as assessed with SpliceAI (≤ 0.2), and met PP3, meeting the conditions for PM5 to apply. In summary, this variant met the criteria to receive a score of 18 and to be classified as pathogenic (pathogenic classification ≥ 10, adapted from PMID: 32720330) for CYP1B1-related glaucoma with or without anterior segment dysgenesis (ASD) based on the ACMG/AMP criteria met, as specified by the ClinGen Glaucoma VCEP (v1.0, 06.11.2025): PM3_Very Strong, PP1_Strong, PP3_Strong, PM5, PM2_Supporting (combination of PP3 and PM5 is capped at 5 points).

Labcorp Genetics (formerly Invitae), Labcorp
Classification: Pathogenic for Congenital glaucoma. Last evaluated: 2026-01-12. Review status: criteria provided, single submitter. Criteria: Invitae Variant Classification Sherloc (09022015). Collection method: clinical testing. Allele origin: germline. Not counted in ClinVar's aggregate classification.
Comment: This sequence change replaces arginine, which is basic and polar, with serine, which is neutral and polar, at codon 390 of the CYP1B1 protein (p.Arg390Ser). This variant is present in population databases (rs148542782, gnomAD 0.007%). This missense change has been observed in individual(s) with CYP1B1-related conditions (PMID: 10655546, 14635112, 19234632, 20664688; internal data). In at least one individual the data is consistent with being in trans (on the opposite chromosome) from a pathogenic variant. This variant is also known as 8005C>A. ClinVar contains an entry for this variant (Variation ID: 2203048). Invitae Evidence Modeling of protein sequence and biophysical properties (such as structural, functional, and spatial information, amino acid conservation, physicochemical variation, residue mobility, and thermodynamic stability) indicates that this missense variant is expected to disrupt CYP1B1 protein function with a positive predictive value of 80%. Experimental studies have shown that this missense change affects CYP1B1 function (PMID: 20664688). This variant disrupts the p.Arg390 amino acid residue in CYP1B1. Other variant(s) that disrupt this residue have been determined to be pathogenic (PMID: 15037581). This suggests that this residue is clinically significant, and that variants that disrupt this residue are likely to be disease-causing. For these reasons, this variant has been classified as Pathogenic.

Baylor Genetics
Classification: Pathogenic for Anterior segment dysgenesis 6. Last evaluated: 2023-11-20. Review status: criteria provided, single submitter. Criteria: ACMG Guidelines, 2015. Collection method: clinical testing. Allele origin: unknown. Not counted in ClinVar's aggregate classification.

Women's Health and Genetics/Laboratory Corporation of America, LabCorp
Classification: Pathogenic for Primary congenital glaucoma. Last evaluated: 2023-10-19. Review status: criteria provided, single submitter. Criteria: LabCorp Variant Classification Summary - May 2015. Collection method: clinical testing. Allele origin: germline. Not counted in ClinVar's aggregate classification.
Comment: Variant summary: CYP1B1 c.1168C>A (p.Arg390Ser) results in a non-conservative amino acid change in the encoded protein sequence. Five of five in-silico tools predict a damaging effect of the variant on protein function. Other pathogenic variants have been reported at this codon [c.1168C>T (p.R390C) and c.1169G>A (p.R390H)], suggesting a critical relevance of this residue to protein function. The variant allele was found at a frequency of 1.6e-05 in 249632 control chromosomes. c.1168C>A has been reported in the literature as biallelic homozygous or compound heterozygous genotypes in individuals affected with Primary Congenital Glaucoma (example, Berraho_2015, Hilal_2010, Campos-Mollo_2009, Giuffre_2011). Variable expression and incomplete penetrance of the Primary Congenital Glaucoma phenotype attributed to this variant was reported in at-least one family with a homozygous genotype (Hilal_2010). These data indicate that the variant is likely to be associated with disease. The following publications have been ascertained in the context of this evaluation (PMID: 25826643, 19234632, 21815720, 20664688, 23218183). One submitter has cited clinical-significance assessments for this variant to ClinVar after 2014 and has classified the variant as pathogenic. Based on the evidence outlined above, the variant was classified as pathogenic.

Institute of Basic Medical Sciences, Khyber Medical University, Peshawar
Classification: Pathogenic for Glaucoma 3A. Last evaluated: 2023-12-06. Review status: no assertion criteria provided. Collection method: research. Allele origin: germline. Inheritance: Autosomal recessive inheritance. Affected: yes. Not counted in ClinVar's aggregate classification.
Comment: A known missense homozygous mutation c.1168C>A, p. Arg390Ser was identified in two Pakistani families which encodes arginine to serine at codon position 390. This missense homozygous mutation is identified and segregated in four phenotypic affected primary congenital glaucoma family members. Reference PMID: 10655546

Literature cited by the submitters: PubMed 10655546 (cited by Labcorp Genetics (formerly Invitae), Labcorp and Institute of Basic Medical Sciences, Khyber Medical University, Peshawar); PubMed 14635112 (cited by Labcorp Genetics (formerly Invitae), Labcorp); PubMed 19234632 (cited by Labcorp Genetics (formerly Invitae), Labcorp and Women's Health and Genetics/Laboratory Corporation of America, LabCorp); PubMed 20664688 (cited by Labcorp Genetics (formerly Invitae), Labcorp and Women's Health and Genetics/Laboratory Corporation of America, LabCorp); PubMed 15037581 (cited by Labcorp Genetics (formerly Invitae), Labcorp); PubMed 23218183 (cited by Women's Health and Genetics/Laboratory Corporation of America, LabCorp); PubMed 21815720 (cited by Women's Health and Genetics/Laboratory Corporation of America, LabCorp); PubMed 25826643 (cited by Women's Health and Genetics/Laboratory Corporation of America, LabCorp).

NM_000104.4(CYP1B1):c.1168C>A (p.Arg390Ser)

Gene: CYP1B1 (cytochrome P450 family 1 subfamily B member 1; minus strand). Cytogenetic location: 2p22.2.
Variant type: single nucleotide variant.
Coding change: c.1168C>A on transcript NM_000104.4 (MANE Select); coding-DNA position 1168, C replaced by A.
Protein change: p.Arg390Ser; replaces arginine 390 with serine.
Molecular consequence: missense variant.
Genome position (GRCh38, 1-based): chr2:38,071,186, G>T on the plus strand (C>A on the coding strand, the complement: CYP1B1 is on the minus strand). VCF-style: chr2-38071186-G-T. GRCh37 (hg19) VCF-style: chr2-38298329-G-T.
Other names: short protein forms R390S.
Identifiers: ClinVar variation 2203048 (VCV002203048.9), dbSNP rs148542782, ClinGen allele CA1619848.